The following is an entry in ClinVar:

ClinVar aggregate classification (germline): Uncertain significance (1 of 4 stars; one submission).

Submission:

GeneDx
Classification: Uncertain significance. Last evaluated: 2024-08-07. Review status: criteria provided, single submitter. Criteria: GeneDx Variant Classification Process June 2021. Collection method: clinical testing. Allele origin: germline. Affected: yes.
Comment: Not observed at significant frequency in large population cohorts (gnomAD); In silico analysis supports that this missense variant has a deleterious effect on protein structure/function; Has not been previously published as pathogenic or benign to our knowledge

NM_032108.4(SEMA6B):c.1061A>G (p.Glu354Gly)

Gene: SEMA6B (semaphorin 6B; minus strand). Cytogenetic location: 19p13.3.
Variant type: single nucleotide variant.
Coding change: c.1061A>G on transcript NM_032108.4 (MANE Select); coding-DNA position 1061, A replaced by G.
Protein change: p.Glu354Gly; replaces glutamic acid 354 with glycine.
Molecular consequence: missense variant.
Genome position (GRCh38, 1-based): chr19:4,550,859, T>C on the plus strand (A>G on the coding strand, the complement: SEMA6B is on the minus strand). VCF-style: chr19-4550859-T-C. GRCh37 (hg19) VCF-style: chr19-4550871-T-C.
Other names: short protein forms E354G.
Identifiers: ClinVar variation 3602845 (VCV003602845.1).